The following is an entry in ClinVar:

ClinVar aggregate classification (germline): Uncertain significance (1 of 4 stars; one submission).

Allele frequency attached by ClinVar (database versions not stated): TOPMed 0.00001.

Submission:

Labcorp Genetics (formerly Invitae), Labcorp
Classification: Uncertain significance. Last evaluated: 2024-10-16. Review status: criteria provided, single submitter. Criteria: Invitae Variant Classification Sherloc (09022015). Collection method: clinical testing. Allele origin: germline.
Comment: This sequence change replaces threonine, which is neutral and polar, with isoleucine, which is neutral and non-polar, at codon 41 of the GALM protein (p.Thr41Ile). This variant is not present in population databases (gnomAD no frequency). This variant has not been reported in the literature in individuals affected with GALM-related conditions. Invitae Evidence Modeling of protein sequence and biophysical properties (such as structural, functional, and spatial information, amino acid conservation, physicochemical variation, residue mobility, and thermodynamic stability) indicates that this missense variant is not expected to disrupt GALM protein function with a negative predictive value of 80%. In summary, the available evidence is currently insufficient to determine the role of this variant in disease. Therefore, it has been classified as a Variant of Uncertain Significance.

NM_138801.3(GALM):c.122C>T (p.Thr41Ile)

Gene: GALM (galactose mutarotase; plus strand). Cytogenetic location: 2p22.1.
Variant type: single nucleotide variant.
Coding change: c.122C>T on transcript NM_138801.3 (MANE Select); coding-DNA position 122, C replaced by T.
Protein change: p.Thr41Ile; replaces threonine 41 with isoleucine.
Molecular consequence: missense variant.
Genome position (GRCh38, 1-based): chr2:38,666,283, C>T. VCF-style: chr2-38666283-C-T. GRCh37 (hg19) VCF-style: chr2-38893425-C-T.
Other names: short protein forms T41I.
Identifiers: ClinVar variation 2793268 (VCV002793268.3), dbSNP rs1263376779, ClinGen allele CA346333448.